The following is an entry in ClinVar:

ClinVar aggregate classification (germline): Uncertain significance (1 of 4 stars; one submission).

gnomAD v4.1: 1 of 1,613,304 alleles (0.000062%); highest among the groups gnomAD compares: Admixed American, 0.0017%; no homozygotes.

Submission:

Labcorp Genetics (formerly Invitae), Labcorp
Classification: Uncertain significance. Last evaluated: 2025-04-08. Review status: criteria provided, single submitter. Criteria: Invitae Variant Classification Sherloc (09022015). Collection method: clinical testing. Allele origin: germline.
Comment: This sequence change replaces aspartic acid, which is acidic and polar, with valine, which is neutral and non-polar, at codon 259 of the COL11A1 protein (p.Asp259Val). This variant is not present in population databases (gnomAD no frequency). This variant has not been reported in the literature in individuals affected with COL11A1-related conditions. Invitae Evidence Modeling of protein sequence and biophysical properties (such as structural, functional, and spatial information, amino acid conservation, physicochemical variation, residue mobility, and thermodynamic stability) indicates that this missense variant is not expected to disrupt COL11A1 protein function with a negative predictive value of 95%. In summary, the available evidence is currently insufficient to determine the role of this variant in disease. Therefore, it has been classified as a Variant of Uncertain Significance.

NM_001854.4(COL11A1):c.776A>T (p.Asp259Val)

Gene: COL11A1 (collagen type XI alpha 1 chain; minus strand). Cytogenetic location: 1p21.1.
Variant type: single nucleotide variant.
Coding change: c.776A>T on transcript NM_001854.4 (MANE Select); coding-DNA position 776, A replaced by T.
Protein change: p.Asp259Val; replaces aspartic acid 259 with valine.
Molecular consequence: missense variant. On other transcripts: non-coding transcript variant (1).
Genome position (GRCh38, 1-based): chr1:103,031,120, T>A on the plus strand (A>T on the coding strand, the complement: COL11A1 is on the minus strand). VCF-style: chr1-103031120-T-A. GRCh37 (hg19) VCF-style: chr1-103496676-T-A.
Other names: c.776A>T, p.Asp259Val (NM_001190709.2, NM_080629.3, NM_080630.4); short protein forms D259V.
Identifiers: ClinVar variation 4748853 (VCV004748853.1).